The following is an entry in ClinVar:

ClinVar aggregate classification (germline): Uncertain significance. Review status: criteria provided, multiple submitters, no conflicts (2 of 4 stars). 2 submissions from 2 submitters: Uncertain significance (2). Last evaluated 2025-08-26.

Conditions:
COL9A1-related disorder. Also called: COL9A1-related disorders; COL9A1-related condition.

Allele frequency attached by ClinVar (database versions not stated): TOPMed 0.00001; ESP Exome Variant Server 0.00008.
gnomAD v4.1: 6 of 1,613,990 alleles (0.00037%); highest among the groups gnomAD compares: Non-Finnish European, 0.00051%; no homozygotes.

Submissions (2):

PreventionGenetics, part of Exact Sciences
Classification: Uncertain significance for COL9A1-related condition. Last evaluated: 2025-08-26. Review status: criteria provided, single submitter. Criteria: ACMG Guidelines, 2015. Collection method: clinical testing. Allele origin: germline.
Comment: The COL9A1 c.381C>A variant is predicted to result in the amino acid substitution p.Asn127Lys. To our knowledge, this variant has not been reported in the literature. This variant is reported in 0.00088% of alleles in individuals of European (Non-Finnish) descent in gnomAD. At this time, the clinical significance of this variant is uncertain due to the absence of conclusive functional and genetic evidence.

Labcorp Genetics (formerly Invitae), Labcorp
Classification: Uncertain significance. Last evaluated: 2022-05-30. Review status: criteria provided, single submitter. Criteria: Invitae Variant Classification Sherloc (09022015). Collection method: clinical testing. Allele origin: germline.
Comment: This sequence change replaces asparagine, which is neutral and polar, with lysine, which is basic and polar, at codon 127 of the COL9A1 protein (p.Asn127Lys). This variant is present in population databases (rs373482218, gnomAD 0.0009%). This variant has not been reported in the literature in individuals affected with COL9A1-related conditions. ClinVar contains an entry for this variant (Variation ID: 854337). Advanced modeling of protein sequence and biophysical properties (such as structural, functional, and spatial information, amino acid conservation, physicochemical variation, residue mobility, and thermodynamic stability) performed at Invitae indicates that this missense variant is not expected to disrupt COL9A1 protein function. In summary, the available evidence is currently insufficient to determine the role of this variant in disease. Therefore, it has been classified as a Variant of Uncertain Significance.

NM_001851.6(COL9A1):c.381C>A (p.Asn127Lys)

Gene: COL9A1 (collagen type IX alpha 1 chain; minus strand). Cytogenetic location: 6q13.
Variant type: single nucleotide variant.
Coding change: c.381C>A on transcript NM_001851.6 (MANE Select); coding-DNA position 381, C replaced by A.
Protein change: p.Asn127Lys; replaces asparagine 127 with lysine.
Molecular consequence: missense variant.
Genome position (GRCh38, 1-based): chr6:70,294,482, G>T on the plus strand (C>A on the coding strand, the complement: COL9A1 is on the minus strand). VCF-style: chr6-70294482-G-T. GRCh37 (hg19) VCF-style: chr6-71004185-G-T.
Other names: c.381C>A, p.Asn127Lys (NM_001377291.1); short protein forms N127K.
Identifiers: ClinVar variation 854337 (VCV000854337.8), dbSNP rs373482218, ClinGen allele CA3882824.
Genomic context (GRCh38, chr6:70,294,482, plus strand): 5'-ATTAATCTTTATGCCAACTTGCTCCTTCCCAGAGGAATCCTGAATCTGCCAAATGTTCCA[G>T]TTCTTTTTGAGAGTGCTTCCAGTCATTCGAAACGTCGTCAAGAAGGAGTATTCTTCAGGC-3'
Protein context (NP_001842.3, residues 117-137): FRMTGSTLKK[Asn127Lys]WNIWQIQDSS